The following is an entry in ClinVar:

ClinVar aggregate classification (germline): Uncertain significance (1 of 4 stars; one submission).

Allele frequency attached by ClinVar (database versions not stated): TOPMed 0.00004; ExAC 0.00008.
gnomAD v4.1: 12 of 1,599,986 alleles (0.00075%); highest among the groups gnomAD compares: Admixed American, 0.016%; no homozygotes.

Submission:

Labcorp Genetics (formerly Invitae), Labcorp
Classification: Uncertain significance. Last evaluated: 2024-04-03. Review status: criteria provided, single submitter. Criteria: Invitae Variant Classification Sherloc (09022015). Collection method: clinical testing. Allele origin: germline.
Comment: This sequence change replaces serine, which is neutral and polar, with leucine, which is neutral and non-polar, at codon 230 of the DNA2 protein (p.Ser230Leu). This variant is present in population databases (rs775240304, gnomAD 0.02%). This variant has not been reported in the literature in individuals affected with DNA2-related conditions. ClinVar contains an entry for this variant (Variation ID: 1914473). Advanced modeling of protein sequence and biophysical properties (such as structural, functional, and spatial information, amino acid conservation, physicochemical variation, residue mobility, and thermodynamic stability) performed at Invitae indicates that this missense variant is not expected to disrupt DNA2 protein function with a negative predictive value of 80%. In summary, the available evidence is currently insufficient to determine the role of this variant in disease. Therefore, it has been classified as a Variant of Uncertain Significance.

NM_001080449.3(DNA2):c.689C>T (p.Ser230Leu)

Gene: DNA2 (DNA replication helicase/nuclease 2; minus strand). Cytogenetic location: 10q21.3.
Variant type: single nucleotide variant.
Coding change: c.689C>T on transcript NM_001080449.3 (MANE Select); coding-DNA position 689, C replaced by T.
Protein change: p.Ser230Leu; replaces serine 230 with leucine.
Molecular consequence: missense variant. On other transcripts: non-coding transcript variant (1).
Genome position (GRCh38, 1-based): chr10:68,459,134, G>A on the plus strand (C>T on the coding strand, the complement: DNA2 is on the minus strand). VCF-style: chr10-68459134-G-A. GRCh37 (hg19) VCF-style: chr10-70218891-G-A.
Other names: short protein forms S230L.
Identifiers: ClinVar variation 1914473 (VCV001914473.5), dbSNP rs775240304, ClinGen allele CA5525239.
Genomic context (GRCh38, chr10:68,459,134, plus strand): 5'-CTATATATATAAACAAAATGTGTTTCTTACAGAGAGAGCTGCATCTGAGGGAAGTCAGTC[G>A]AAGTGTTTTTATGCATGAAATCTCCTGCCCATTTACAAAACGAAGGAAGATAGTCCTCTA-3'
Protein context (NP_001073918.2, residues 220-240): WAGDFMHKNT[Ser230Leu]TDFPQMQLSL